The following is an entry in ClinVar:

ClinVar aggregate classification (germline): Conflicting classifications of pathogenicity. Review status: criteria provided, conflicting classifications (1 of 4 stars). 2 submissions from 2 submitters: Uncertain significance (1); Likely benign (1). Last evaluated 2024-09-12.

Allele frequency attached by ClinVar (database versions not stated): gnomAD exomes 0.00001 and 0.00002; TOPMed 0.00001; ExAC 0.00002.
gnomAD v4.1: 12 of 1,613,964 alleles (0.00074%); highest among the groups gnomAD compares: South Asian, 0.0077%; no homozygotes.

Submissions (2):

Ambry Genetics
Classification: Likely benign. Last evaluated: 2024-09-12. Review status: criteria provided, single submitter. Criteria: Ambry Variant Classification Scheme 2023. Collection method: clinical testing. Allele origin: germline.

Labcorp Genetics (formerly Invitae), Labcorp
Classification: Uncertain significance. Last evaluated: 2024-04-03. Review status: criteria provided, single submitter. Criteria: Invitae Variant Classification Sherloc (09022015). Collection method: clinical testing. Allele origin: germline.
Comment: This sequence change replaces glycine, which is neutral and non-polar, with alanine, which is neutral and non-polar, at codon 211 of the RINT1 protein (p.Gly211Ala). This variant is present in population databases (rs756236683, gnomAD 0.007%). This variant has not been reported in the literature in individuals affected with RINT1-related conditions. ClinVar contains an entry for this variant (Variation ID: 1436351). Algorithms developed to predict the effect of missense changes on protein structure and function output the following: SIFT: "Not Available"; PolyPhen-2: "Benign"; Align-GVGD: "Not Available". The alanine amino acid residue is found in multiple mammalian species, which suggests that this missense change does not adversely affect protein function. In summary, the available evidence is currently insufficient to determine the role of this variant in disease. Therefore, it has been classified as a Variant of Uncertain Significance.

NM_021930.6(RINT1):c.632G>C (p.Gly211Ala)

Gene: RINT1 (RAD50 interactor 1; plus strand). Cytogenetic location: 7q22.3.
Variant type: single nucleotide variant.
Coding change: c.632G>C on transcript NM_021930.6 (MANE Select); coding-DNA position 632, G replaced by C.
Protein change: p.Gly211Ala; replaces glycine 211 with alanine.
Molecular consequence: missense variant. On other transcripts: 5 prime UTR variant (2), non-coding transcript variant (1), intron variant (1).
Genome position (GRCh38, 1-based): chr7:105,547,026, G>C. VCF-style: chr7-105547026-G-C. GRCh37 (hg19) VCF-style: chr7-105187473-G-C.
Other names: c.398G>C, p.Gly133Ala (NM_001346599.2); c.-388G>C (NM_001346600.2); c.-291G>C (NM_001346601.2); c.-27-3029G>C (NM_001346603.2); short protein forms G211A, G133A.
Identifiers: ClinVar variation 1436351 (VCV001436351.11), dbSNP rs756236683, ClinGen allele CA4426479.